The following is an entry in ClinVar:

NM_182961.4(SYNE1):c.12871G>T (p.Ala4291Ser)

Gene: SYNE1 (spectrin repeat containing nuclear envelope protein 1; minus strand). Cytogenetic location: 6q25.2.
Variant type: single nucleotide variant.
Coding change: c.12871G>T on transcript NM_182961.4 (MANE Select); coding-DNA position 12871, G replaced by T.
Protein change: p.Ala4291Ser; replaces alanine 4291 with serine.
Molecular consequence: missense variant.
Genome position (GRCh38, 1-based): chr6:152,331,814, C>A on the plus strand (G>T on the coding strand, the complement: SYNE1 is on the minus strand). VCF-style: chr6-152331814-C-A. GRCh37 (hg19) VCF-style: chr6-152652949-C-A.
Other names: c.12658G>T, p.Ala4220Ser (NM_033071.5); short protein forms A4220S, A4291S.
Identifiers: ClinVar variation 3761977 (VCV003761977.2).

ClinVar aggregate classification (germline): Uncertain significance (1 of 4 stars; one submission).

Conditions:
Emery-Dreifuss muscular dystrophy 4, autosomal dominant (EDMD4). Also called: EMERY-DREIFUSS MUSCULAR DYSTROPHY 4 WITH VARIABLE FEATURES. Identifiers: Orphanet 261, MedGen C2751807, MONDO:0013071, OMIM 612998.
Autosomal recessive ataxia, Beauce type. Also called: Spinocerebellar ataxia, autosomal recessive 8; ATAXIA, RECESSIVE, OF BEAUCE; SYNE1-Related Autosomal Recessive Cerebellar Ataxia; SYNE1 Deficiency. Identifiers: Orphanet 88644, MedGen C1853116, MONDO:0012549, OMIM 610743.

gnomAD v4.1: 8 of 1,614,054 alleles (0.0005%); highest among the groups gnomAD compares: Middle Eastern, 0.016%; no homozygotes.

Submission:

Labcorp Genetics (formerly Invitae), Labcorp
Classification: Uncertain significance for Emery-Dreifuss muscular dystrophy 4, autosomal dominant; Autosomal recessive ataxia, Beauce type. Last evaluated: 2024-12-09. Review status: criteria provided, single submitter. Criteria: Invitae Variant Classification Sherloc (09022015). Collection method: clinical testing. Allele origin: germline.
Comment: This sequence change replaces alanine, which is neutral and non-polar, with serine, which is neutral and polar, at codon 4220 of the SYNE1 protein (p.Ala4220Ser). This variant is present in population databases (rs756496542, gnomAD 0.002%). This variant has not been reported in the literature in individuals affected with SYNE1-related conditions. An algorithm developed to predict the effect of missense changes on protein structure and function (PolyPhen-2) suggests that this variant is likely to be disruptive. In summary, the available evidence is currently insufficient to determine the role of this variant in disease. Therefore, it has been classified as a Variant of Uncertain Significance.